The following is an entry in ClinVar:

ClinVar aggregate classification (germline): Likely benign (1 of 4 stars; one submission).

gnomAD v4.1: 2 of 1,534,612 alleles (0.00013%); highest among the groups gnomAD compares: Non-Finnish European, 0.000088%; no homozygotes.

Submission:

CeGaT Center for Human Genetics Tuebingen
Classification: Likely benign. Last evaluated: 2025-05-01. Review status: criteria provided, single submitter. Criteria: CeGaT Center For Human Genetics Tuebingen Variant Classification Criteria Version 2. Collection method: clinical testing. Allele origin: germline. Affected: yes. Observed: 1 variant allele.
Comment: CACNA1A: BP4, BP7

NM_001127222.2(CACNA1A):c.3435C>A (p.Ile1145=)

Gene: CACNA1A (calcium voltage-gated channel subunit alpha1 A; minus strand). Cytogenetic location: 19p13.13.
Variant type: single nucleotide variant.
Coding change: c.3435C>A on transcript NM_001127222.2 (MANE Select); coding-DNA position 3435, C replaced by A.
Protein change: p.Ile1145=; no amino-acid change (isoleucine 1145 retained).
Molecular consequence: synonymous variant.
Genome position (GRCh38, 1-based): chr19:13,286,621, G>T on the plus strand (C>A on the coding strand, the complement: CACNA1A is on the minus strand). VCF-style: chr19-13286621-G-T. GRCh37 (hg19) VCF-style: chr19-13397435-G-T.
Other names: c.3447C>A, p.Ile1149= (NM_000068.4, NM_023035.3); c.3438C>A, p.Ile1146= (NM_001127221.2, NM_001174080.2).
Identifiers: ClinVar variation 3905956 (VCV003905956.10).